The following is an entry in ClinVar:

NM_000090.4(COL3A1):c.2344G>C (p.Gly782Arg)

Genes: COL3A1 (collagen type III alpha 1 chain; plus strand), LOC126806446 (P300/CBP strongly-dependent group 1 enhancer GRCh37_chr2:189866210-189867409; plus strand). Cytogenetic location: 2q32.2.
Variant type: single nucleotide variant.
Coding change: c.2344G>C on transcript NM_000090.4 (MANE Select); coding-DNA position 2344, G replaced by C.
Protein change: p.Gly782Arg; replaces glycine 782 with arginine.
Molecular consequence: missense variant.
Genome position (GRCh38, 1-based): chr2:189,001,542, G>C. VCF-style: chr2-189001542-G-C. GRCh37 (hg19) VCF-style: chr2-189866268-G-C.
Other names: short protein forms G782R.
Identifiers: ClinVar variation 4737360 (VCV004737360.1).
Genomic context (GRCh38, chr2:189,001,542, plus strand): 5'-AAAATGTCTCTCTCTTTTGGATGCAAGACAGTGACATGGCTTCTCTTTTTCCAGGGTGAA[G>C]GTGGTGCCCCCGGACTTCCAGGTATAGCTGGACCTCGTGGTAGCCCTGTAAGTGTTAAAG-3'
Protein context (NP_000081.2, residues 772-792): PAGQPGDKGE[Gly782Arg]GAPGLPGIAG

ClinVar aggregate classification (germline): Uncertain significance (1 of 4 stars; one submission).

Conditions:
Ehlers-Danlos syndrome, type 4 (EDSVASC). Also called: Ehlers-Danlos syndrome vascular type; Ehlers Danlos syndrome, ecchymotic type; Ehlers Danlos syndrome, arterial type; Ehlers Danlos syndrome, Sack-Barabas type; Ehlers-Danlos Syndrome Type IV. Identifiers: Orphanet 286, MedGen C0268338, MONDO:0017314, OMIM 130050.

Submission:

Labcorp Genetics (formerly Invitae), Labcorp
Classification: Uncertain significance for Ehlers-Danlos syndrome, type 4. Last evaluated: 2025-03-05. Review status: criteria provided, single submitter. Criteria: Invitae Variant Classification Sherloc (09022015). Collection method: clinical testing. Allele origin: germline.
Comment: This sequence change replaces glycine, which is neutral and non-polar, with arginine, which is basic and polar, at codon 782 of the COL3A1 protein (p.Gly782Arg). This variant is not present in population databases (gnomAD no frequency). This variant has not been reported in the literature in individuals affected with COL3A1-related conditions. Invitae Evidence Modeling of protein sequence and biophysical properties (such as structural, functional, and spatial information, amino acid conservation, physicochemical variation, residue mobility, and thermodynamic stability) indicates that this missense variant is not expected to disrupt COL3A1 protein function with a negative predictive value of 95%. In summary, the available evidence is currently insufficient to determine the role of this variant in disease. Therefore, it has been classified as a Variant of Uncertain Significance.